The following is an entry in ClinVar:

ClinVar aggregate classification (germline): Uncertain significance (1 of 4 stars; one submission).

Allele frequency attached by ClinVar (database versions not stated): TOPMed below 0.00001; gnomAD 0.00001; gnomAD exomes 0.00001; ExAC 0.00003; ESP Exome Variant Server 0.00008.
gnomAD v4.1: 2 of 1,608,858 alleles (0.00012%); highest among the groups gnomAD compares: Non-Finnish European, 0.00017%; no homozygotes.

Submission:

Labcorp Genetics (formerly Invitae), Labcorp
Classification: Uncertain significance. Last evaluated: 2021-05-03. Review status: criteria provided, single submitter. Criteria: Invitae Variant Classification Sherloc (09022015). Collection method: clinical testing. Allele origin: germline.
Comment: In summary, the available evidence is currently insufficient to determine the role of this variant in disease. Therefore, it has been classified as a Variant of Uncertain Significance. Algorithms developed to predict the effect of missense changes on protein structure and function are either unavailable or do not agree on the potential impact of this missense change (SIFT: "Deleterious"; PolyPhen-2: "Benign"; Align-GVGD: "Class C0"). This variant has not been reported in the literature in individuals with INPPL1-related conditions. This variant is present in population databases (rs373942490, ExAC 0.005%). This sequence change replaces isoleucine with serine at codon 1177 of the INPPL1 protein (p.Ile1177Ser). The isoleucine residue is moderately conserved and there is a large physicochemical difference between isoleucine and serine.

NM_001567.4(INPPL1):c.3530T>G (p.Ile1177Ser)

Gene: INPPL1 (inositol polyphosphate phosphatase like 1; plus strand). Cytogenetic location: 11q13.4.
Variant type: single nucleotide variant.
Coding change: c.3530T>G on transcript NM_001567.4 (MANE Select); coding-DNA position 3530, T replaced by G.
Protein change: p.Ile1177Ser; replaces isoleucine 1177 with serine.
Molecular consequence: missense variant.
Genome position (GRCh38, 1-based): chr11:72,237,774, T>G. VCF-style: chr11-72237774-T-G. GRCh37 (hg19) VCF-style: chr11-71948818-T-G.
Other names: short protein forms I1177S.
Identifiers: ClinVar variation 1351036 (VCV001351036.8), dbSNP rs373942490, ClinGen allele CA6170665.
Genomic context (GRCh38, chr11:72,237,774, plus strand): 5'-GACTGCCCTCGGACTATGGCCGGCCCCTCAGCTTCCCTCCACCCCGCATCCGGGAGAGCA[T>G]CCAGGAAGACCTGGCAGAGGAGGTGTGTGGAGCAGGGTGGCTGTCTGTGTGTGCCTGAGT-3'
Protein context (NP_001558.3, residues 1167-1187): SFPPPRIRES[Ile1177Ser]QEDLAEEAPC